The following is an entry in ClinVar:

NM_000169.3(GLA):c.59_73del (p.Ala20_Trp24del)

Genes: GLA (galactosidase alpha; minus strand), RPL36A-HNRNPH2 (RPL36A-HNRNPH2 readthrough; plus strand). Cytogenetic location: Xq22.1.
Variant type: Deletion.
Coding change: c.59_73del on transcript NM_000169.3 (MANE Select); coding-DNA positions 59 to 73, 15 bases deleted (CCCTCGTTTCCTGGG).
Protein change: p.Ala20_Trp24del.
Molecular consequence: inframe deletion. On other transcripts: non-coding transcript variant (3), intron variant (2).
Genome position (GRCh38, 1-based): chrX:101,407,831-101,407,845, CCCAGGAAACGAGGG deleted on the plus strand (CCCTCGTTTCCTGGG on the coding strand, the reverse complement: GLA is on the minus strand); deleting any 15 consecutive bases within chrX:101,407,831-101,407,847 gives the same sequence; the c. name uses the placement nearest the transcript's 3' end. VCF-style (leftmost placement, unchanged base first): chrX-101407830-TCCCAGGAAACGAGGG-T. GRCh37 (hg19) VCF-style: chrX-100662818-TCCCAGGAAACGAGGG-T.
Other names: c.59_73del, p.Ala20_Trp24del (NM_001406747.1, NM_001406748.1, NM_001406749.1); c.301-4103_301-4089del (NM_001199973.2); c.178-4103_178-4089del (NM_001199974.2).
Identifiers: ClinVar variation 4087030 (VCV004087030.2).

ClinVar aggregate classification (germline): Pathogenic (1 of 4 stars; one submission).

Conditions:
Fabry disease. Also called: ALPHA-GALACTOSIDASE A DEFICIENCY; ANDERSON-FABRY DISEASE; CERAMIDE TRIHEXOSIDASE DEFICIENCY; GLA DEFICIENCY; HEREDITARY DYSTOPIC LIPIDOSIS; Angiokeratoma corporis diffusum. Identifiers: Orphanet 324, MedGen C0002986, MONDO:0010526, OMIM 301500, HP:0001071. Disease mechanism: Fabry disease is due to inactivating mutations in the X-linked GLA gene resulting in deficiency of the enzyme Alpha Galactosidase-A., loss of function.

Submission:

Genomenon, Inc
Classification: Pathogenic for Fabry disease. Last evaluated: 2026-09-08. Review status: criteria provided, single submitter. Criteria: Genomenon Sequence Variant Interpretation Standards - Updated. Collection method: curation. Allele origin: germline. Affected: yes.
Comment: GLA p.Ala20_Trp24del (c.59_73del) is an in-frame deletion that results in the loss of multiple amino acids, from Alanine at codon 20 to Tryptophan at codon 24. This variant has been observed in at least one proband with clinical features consistent with Fabry disease (PMID:25974833;34960158;12428061). At least one functional study has demonstrated a substantial alteration in protein function relative to the wild-type (PMID:27657681). It is absent or not present at a significant frequency in gnomAD. In conclusion, we classify GLA p.Ala20_Trp24del (c.59_73del) as a pathogenic variant.

Literature cited by the submitters: PubMed 25974833; PubMed 34960158; PubMed 12428061; PubMed 27657681.